The following is an entry in ClinVar:

ClinVar aggregate classification (germline): Uncertain significance (1 of 4 stars; one submission).

Submission:

Dasa
Classification: Uncertain significance. Last evaluated: 2025-06-05. Review status: criteria provided, single submitter. Criteria: DASA Assertion Criteria. Collection method: clinical testing. Allele origin: germline.
Comment: NM_181789.4(GLDN):c.1614del (p.Met538Ilefs*12) is a frameshift variant in GLDN predicted to alter the reading frame and introduce a premature termination codon and is predicted to result in an absent or altered protein product. This variant is rare in population databases. The currently available literature and clinical evidence are not sufficient to establish a definitive association between this variant and the reported condition. Therefore, this variant is classified as a variant of uncertain significance.

NM_181789.4(GLDN):c.1614del (p.Met538fs)

Gene: GLDN (gliomedin; plus strand). Cytogenetic location: 15q21.2.
Variant type: Deletion.
Coding change: c.1614del on transcript NM_181789.4 (MANE Select); coding-DNA position 1614, one base deleted (G; older notation c.1614delG).
Protein change: p.Met538fs; shifts the reading frame from methionine 538.
Molecular consequence: frameshift variant.
Genome position (GRCh38, 1-based): chr15:51,404,712, G deleted. VCF-style (leftmost placement, unchanged base first): chr15-51404711-TG-T. GRCh37 (hg19) VCF-style: chr15-51696908-TG-T.
Other names: c.1242del, p.Met414fs (NM_001330297.2); short protein forms M414fs, M538fs.
Identifiers: ClinVar variation 4883916 (VCV004883916.2).
Genomic context (GRCh38, chr15:51,404,711, plus strand): 5'-CCATGTTAGCATACAACATGAGAGATCAGCATTTATATTCATGGGAAGATGGCCATTTAA[TG>T]CTTTATCCTGTGCAGTTTTTGTCAACTACCTTAAATCAGTGATGTGCTGCATTCGGCTCC-3'